The following is an entry in ClinVar:

ClinVar aggregate classification (germline): Conflicting classifications of pathogenicity. Review status: criteria provided, conflicting classifications (1 of 4 stars). 4 submissions from 4 submitters: Uncertain significance (1); Likely benign (3). Last evaluated 2025-01-24.

Conditions:
Hereditary nonpolyposis colorectal neoplasms. Identifiers: MedGen C0009405, MeSH D003123.
Hereditary cancer-predisposing syndrome. Also called: Neoplastic Syndromes, Hereditary; Tumor predisposition; Hereditary neoplastic syndrome; Hereditary Cancer Syndrome. Identifiers: Orphanet 140162, MedGen C0027672, MeSH D009386, MONDO:0015356.
Lynch syndrome 4 (LYNCH4). Also called: Colorectal cancer, hereditary nonpolyposis, type 4; Hereditary non-polyposis colorectal cancer, type 4. Identifiers: Orphanet 144, MedGen C1838333, MONDO:0013699, OMIM 614337. Disease mechanism: loss of function.

gnomAD v4.1: 6 of 1,483,794 alleles (0.0004%); highest among the groups gnomAD compares: Non-Finnish European, 0.00056%; no homozygotes.

Submissions (4):

Myriad Genetics, Inc.
Classification: Likely benign for Lynch syndrome 4. Last evaluated: 2025-01-24. Review status: criteria provided, single submitter. Criteria: Myriad Autosomal Dominant, Autosomal Recessive and X-Linked Classification Criteria (2023). Collection method: clinical testing. Allele origin: unknown.
Comment: This variant is considered likely benign. This variant is intronic and is not expected to impact mRNA splicing.

Labcorp Genetics (formerly Invitae), Labcorp
Classification: Likely benign for Hereditary nonpolyposis colorectal neoplasms. Last evaluated: 2024-09-09. Review status: criteria provided, single submitter. Criteria: Invitae Variant Classification Sherloc (09022015). Collection method: clinical testing. Allele origin: germline.

Quest Diagnostics Nichols Institute San Juan Capistrano
Classification: Uncertain significance. Last evaluated: 2023-08-23. Review status: criteria provided, single submitter. Criteria: Quest Diagnostics criteria. Collection method: clinical testing. Allele origin: unknown.
Comment: To the best of our knowledge, this variant has not been reported in the published literature. It also has not been reported in large, multi-ethnic general populations (Genome Aggregation Database). Analysis of this variant using software algorithms for the prediction of the effect of nucleotide changes on splicing yielded predictions that this variant does not affect PMS2 mRNA splicing . Based on the available information, we are unable to determine the clinical significance of this variant.

Color Diagnostics, LLC DBA Color Health
Classification: Likely benign for Hereditary cancer-predisposing syndrome. Last evaluated: 2018-05-11. Review status: criteria provided, single submitter. Criteria: ACMG Guidelines, 2015. Collection method: clinical testing. Allele origin: germline.

NM_000535.7(PMS2):c.353+7C>T

Gene: PMS2 (PMS1 homolog 2, mismatch repair system component; minus strand). Cytogenetic location: 7p22.1.
Variant type: single nucleotide variant.
Coding change: c.353+7C>T on transcript NM_000535.7 (MANE Select); 7 bases into the intron after coding-DNA position 353, C replaced by T.
Molecular consequence: intron variant.
Genome position (GRCh38, 1-based): chr7:6,003,683, G>A on the plus strand (C>T on the coding strand, the complement: PMS2 is on the minus strand). VCF-style: chr7-6003683-G-A. GRCh37 (hg19) VCF-style: chr7-6043314-G-A.
Other names: c.35+289C>T (NM_001322008.2, NM_001322007.2); c.-53+7C>T (NM_001322010.2, NM_001322004.2, NM_001322013.2 and 3 more transcripts); c.-532+7C>T (NM_001322012.2, NM_001322011.2); c.-132+7C>T (NM_001322015.2); c.353+7C>T (NM_001322006.2, NM_001322014.2).
Identifiers: ClinVar variation 628368 (VCV000628368.13), dbSNP rs1057520512, ClinGen allele CA913188251.